The following is an entry in ClinVar:

NM_130384.3(ATRIP):c.1132G>A (p.Ala378Thr)

Genes: ATRIP (ATR interacting protein; plus strand), ATRIP-TREX1 (ATRIP-TREX1 readthrough; plus strand). Cytogenetic location: 3p21.31.
Variant type: single nucleotide variant.
Coding change: c.1132G>A on transcript NM_130384.3 (MANE Select); coding-DNA position 1132, G replaced by A.
Protein change: p.Ala378Thr; replaces alanine 378 with threonine.
Molecular consequence: missense variant. On other transcripts: non-coding transcript variant (1).
Genome position (GRCh38, 1-based): chr3:48,460,186, G>A. VCF-style: chr3-48460186-G-A. GRCh37 (hg19) VCF-style: chr3-48501585-G-A.
Other names: c.751G>A, p.Ala251Thr (NM_001271022.2); c.853G>A, p.Ala285Thr (NM_001271023.2); c.1132G>A, p.Ala378Thr (NM_032166.4); short protein forms A251T, A378T, A285T.
Identifiers: ClinVar variation 3809806 (VCV003809806.1).

ClinVar aggregate classification (germline): Uncertain significance (1 of 4 stars; one submission).

Submission:

Ambry Genetics
Classification: Uncertain significance. Last evaluated: 2025-01-13. Review status: criteria provided, single submitter. Criteria: Ambry Variant Classification Scheme 2023. Collection method: clinical testing. Allele origin: germline.
Comment: The p.A378T variant (also known as c.1132G>A), located in coding exon 8 of the ATRIP gene, results from a G to A substitution at nucleotide position 1132. The alanine at codon 378 is replaced by threonine, an amino acid with similar properties. This amino acid position is conserved. In addition, the in silico prediction for this alteration is inconclusive. Based on the available evidence, the clinical significance of this variant remains unclear.